The following is an entry in ClinVar:

NM_000426.4(LAMA2):c.5466A>G (p.Glu1822=)

Gene: LAMA2 (laminin subunit alpha 2; plus strand). Cytogenetic location: 6q22.33.
Variant type: single nucleotide variant.
Coding change: c.5466A>G on transcript NM_000426.4 (MANE Select); coding-DNA position 5466, A replaced by G.
Protein change: p.Glu1822=; no amino-acid change (glutamic acid 1822 retained).
Molecular consequence: synonymous variant.
Genome position (GRCh38, 1-based): chr6:129,401,244, A>G. VCF-style: chr6-129401244-A-G. GRCh37 (hg19) VCF-style: chr6-129722389-A-G.
Other names: p.Glu1822=; c.5466A>G, p.Glu1822= (NM_001079823.2).
Identifiers: ClinVar variation 92966 (VCV000092966.30), dbSNP rs3749877, ClinGen allele CA146133.

ClinVar aggregate classification (germline): Benign. Review status: criteria provided, multiple submitters, no conflicts (2 of 4 stars). 14 submissions from 13 submitters: Benign (11). 3 of the submissions do not count toward it. Last evaluated 2026-02-04.

Conditions:
Congenital muscular dystrophy due to partial LAMA2 deficiency. Identifiers: MedGen C1842898.
Merosin deficient congenital muscular dystrophy (MDC1A). Also called: Congenital merosin-deficient muscular dystrophy 1A; Congenital Muscular Dystrophy Type 1A (MDC1A). Identifiers: Orphanet 258, MedGen C1263858, MONDO:0011925, OMIM 607855.
Muscular dystrophy, limb-girdle, autosomal recessive 23. Identifiers: Orphanet 565837, MedGen C4748327, MONDO:0029136, OMIM 618138.
LAMA2-related muscular dystrophy (LAMA2-RD). Also called: Laminin alpha 2-related dystrophy. Identifiers: MedGen C5679788, MONDO:0100228.

Allele frequency attached by ClinVar (database versions not stated): gnomAD exomes 0.49411; ExAC 0.49785; gnomAD 0.50817 and 0.50857; TOPMed 0.51397; ESP Exome Variant Server 0.51607; 1000 Genomes Project 30x 0.54357; 1000 Genomes Project 0.54453.
gnomAD v4.1: 747,610 of 1,580,252 alleles (47%); highest among the groups gnomAD compares: African/African-American, 62%; 181,718 homozygotes.

Submissions (14):

Labcorp Genetics (formerly Invitae), Labcorp
Classification: Benign for LAMA2-related muscular dystrophy. Last evaluated: 2026-02-04. Review status: criteria provided, single submitter. Criteria: Invitae Variant Classification Sherloc (09022015). Collection method: clinical testing. Allele origin: germline.

Blueprint Genetics
Classification: Benign. Last evaluated: 2024-11-27. Review status: criteria provided, single submitter. Criteria: ACMG Guidelines, 2015. Collection method: clinical testing. Allele origin: germline.

Genome-Nilou Lab
Classification: Benign for Merosin deficient congenital muscular dystrophy. Last evaluated: 2021-08-19. Review status: criteria provided, single submitter. Criteria: ACMG Guidelines, 2015. Collection method: clinical testing. Allele origin: germline. Affected: no.

Genome-Nilou Lab
Classification: Benign for Muscular dystrophy, limb-girdle, autosomal recessive 23. Last evaluated: 2021-08-19. Review status: criteria provided, single submitter. Criteria: ACMG Guidelines, 2015. Collection method: clinical testing. Allele origin: germline. Affected: no.

Mayo Clinic Laboratories, Mayo Clinic
Classification: Benign. Last evaluated: 2018-03-12. Review status: criteria provided, single submitter. Criteria: ACMG Guidelines, 2015. Collection method: clinical testing. Allele origin: germline. Observed: 2,200 variant alleles.

Illumina Laboratory Services, Illumina
Classification: Benign for Congenital muscular dystrophy due to partial LAMA2 deficiency. Last evaluated: 2018-01-12. Review status: criteria provided, single submitter. Criteria: ICSL Variant Classification Criteria 13 December 2019. Collection method: clinical testing. Allele origin: germline.
Comment: This variant was observed in the ICSL laboratory as part of a predisposition screen in an ostensibly healthy population. It had not been previously curated by ICSL or reported in the Human Gene Mutation Database (HGMD: prior to June 1st, 2018), and was therefore a candidate for classification through an automated scoring system. Utilizing variant allele frequency, disease prevalence and penetrance estimates, and inheritance mode, an automated score was calculated to assess if this variant is too frequent to cause the disease. Based on the score and internal cut-off values, a variant classified as benign is not then subjected to further curation. The score for this variant resulted in a classification of benign for this disease.

Athena Diagnostics
Classification: Benign for Merosin deficient congenital muscular dystrophy. Last evaluated: 2017-04-13. Review status: criteria provided, single submitter. Criteria: Athena Diagnostics Criteria. Collection method: clinical testing. Allele origin: germline.

GeneDx
Classification: Benign. Last evaluated: 2016-01-05. Review status: criteria provided, single submitter. Criteria: GeneDx Variant Classification (06012015). Collection method: clinical testing. Allele origin: germline. Affected: yes.
Comment: This variant is considered likely benign or benign based on one or more of the following criteria: it is a conservative change, it occurs at a poorly conserved position in the protein, it is predicted to be benign by multiple in silico algorithms, and/or has population frequency not consistent with disease.

Genetic Services Laboratory, University of Chicago
Classification: Benign for AllHighlyPenetrant. Last evaluated: 2013-08-15. Review status: criteria provided, single submitter. Criteria: ACMG Guidelines, 2007. Collection method: clinical testing. Allele origin: germline. Inheritance: Autosomal recessive inheritance.

Eurofins Ntd Llc (ga)
Classification: Benign. Last evaluated: 2012-07-18. Review status: criteria provided, single submitter. Criteria: EGL Classification Definitions 2015. Collection method: clinical testing. Allele origin: germline. Observed: 55 variant alleles, 36 heterozygotes, 19 homozygotes.

PreventionGenetics, part of Exact Sciences
Classification: Benign. Review status: criteria provided, single submitter. Criteria: ACMG Guidelines, 2015. Collection method: clinical testing. Allele origin: germline.

Clinical Genetics, Academic Medical Center
Classification: Benign. Review status: no assertion criteria provided. Collection method: clinical testing. Allele origin: germline. Affected: yes. Study: VKGL Data-share Consensus. Not counted in ClinVar's aggregate classification.

Diagnostic Laboratory, Department of Genetics, University Medical Center Groningen
Classification: Benign for Merosin deficient congenital muscular dystrophy. Review status: no assertion criteria provided. Collection method: clinical testing. Allele origin: germline. Affected: yes. Study: VKGL Data-share Consensus. Not counted in ClinVar's aggregate classification.

Joint Genome Diagnostic Labs from Nijmegen and Maastricht, Radboudumc and MUMC+
Classification: Benign. Review status: no assertion criteria provided. Collection method: clinical testing. Allele origin: germline. Affected: yes. Study: VKGL Data-share Consensus. Not counted in ClinVar's aggregate classification.

Literature cited by the submitters: PubMed 12552556 (cited by Athena Diagnostics); PubMed 9674786 (cited by Athena Diagnostics).